The following is an entry in ClinVar:

ClinVar aggregate classification (germline): Uncertain significance (1 of 4 stars; one submission).

Conditions:
Arrhythmogenic right ventricular dysplasia 5. Also called: Arrhythmogenic Right Ventricular Dysplasia/Cardiomyopathy 5; ARRHYTHMOGENIC RIGHT VENTRICULAR DYSPLASIA, FAMILIAL, 5. Identifiers: MedGen C1858379, MONDO:0011459, OMIM 604400.

Allele frequency attached by ClinVar (database versions not stated): gnomAD exomes below 0.00001.
gnomAD v4.1: 2 of 1,609,986 alleles (0.00012%); highest among the groups gnomAD compares: African/African-American, 0.0027%; no homozygotes.

Submission:

All of Us Research Program, National Institutes of Health
Classification: Uncertain significance for Arrhythmogenic right ventricular dysplasia 5. Last evaluated: 2023-08-15. Review status: criteria provided, single submitter. Criteria: ACMG Guidelines, 2015. Collection method: clinical testing. Allele origin: germline. Inheritance: Autosomal dominant inheritance. Observed: 3 variant alleles, 3 heterozygotes.
Comment: This variant is located in the 5' untranslated region of the TMEM43 gene. To our knowledge, functional studies have not been reported for this variant. This variant has not been reported in individuals affected with TMEM43-related disorders in the literature. This variant has been identified in 1/238220 chromosomes in the general population by the Genome Aggregation Database (gnomAD). The available evidence is insufficient to determine the role of this variant in disease conclusively. Therefore, this variant is classified as a Variant of Uncertain Significance.

This study involves interpretation of variants in research participants for the purpose of population health screening. Participant phenotype was not available at the time of variant classification. Additional details can be found in publication PMID: 35346344, PMCID: PMC8962531

NM_024334.3(TMEM43):c.-13G>C

Gene: TMEM43 (transmembrane protein 43; plus strand). Cytogenetic location: 3p25.1.
Variant type: single nucleotide variant.
Coding change: c.-13G>C on transcript NM_024334.3 (MANE Select); 13 bases upstream of the start codon, G replaced by C.
Molecular consequence: 5 prime UTR variant.
Genome position (GRCh38, 1-based): chr3:14,125,181, G>C. VCF-style: chr3-14125181-G-C. GRCh37 (hg19) VCF-style: chr3-14166681-G-C.
Other names: c.-13G>C (NM_001407274.1, NM_001407275.1, NM_001407276.1 and 4 more transcripts).
Identifiers: ClinVar variation 3070227 (VCV003070227.1), dbSNP rs1297155669, ClinGen allele CA541295602.